The following is an entry in ClinVar:

NM_006245.4(PPP2R5D):c.28-2A>C

Gene: PPP2R5D (protein phosphatase 2 regulatory subunit B'delta; plus strand). Cytogenetic location: 6p21.1.
Variant type: single nucleotide variant.
Coding change: c.28-2A>C on transcript NM_006245.4 (MANE Select); the canonical splice acceptor site of the intron before coding-DNA position 28, A replaced by C.
Molecular consequence: splice acceptor variant. On other transcripts: intron variant (1).
Genome position (GRCh38, 1-based): chr6:42,989,609, A>C. VCF-style: chr6-42989609-A-C. GRCh37 (hg19) VCF-style: chr6-42957347-A-C.
Other names: c.-443-2A>C (NM_001270476.2); c.28-2A>C (NM_180976.3); c.27+4905A>C (NM_180977.3).
Identifiers: ClinVar variation 3656467 (VCV003656467.2).

ClinVar aggregate classification (germline): Uncertain significance (1 of 4 stars; one submission).

Submission:

Labcorp Genetics (formerly Invitae), Labcorp
Classification: Uncertain significance. Last evaluated: 2024-06-12. Review status: criteria provided, single submitter. Criteria: Invitae Variant Classification Sherloc (09022015). Collection method: clinical testing. Allele origin: germline.
Comment: This sequence change affects an acceptor splice site in intron 1 of the PPP2R5D gene. It is expected to disrupt RNA splicing. Variants that disrupt the donor or acceptor splice site typically lead to a loss of protein function (PMID: 16199547), however the current clinical and genetic evidence is not sufficient to establish whether loss-of-function variants in PPP2R5D cause disease. This variant is not present in population databases (gnomAD no frequency). This variant has not been reported in the literature in individuals affected with PPP2R5D-related conditions. Algorithms developed to predict the effect of sequence changes on RNA splicing suggest that this variant may disrupt the consensus splice site. In summary, the available evidence is currently insufficient to determine the role of this variant in disease. Therefore, it has been classified as a Variant of Uncertain Significance.

Literature cited by the submitters: PubMed 16199547.